The following is an entry in ClinVar:

NM_001876.4(CPT1A):c.899C>T (p.Thr300Met)

Gene: CPT1A (carnitine palmitoyltransferase 1A; minus strand). Cytogenetic location: 11q13.3.
Variant type: single nucleotide variant.
Coding change: c.899C>T on transcript NM_001876.4 (MANE Select); coding-DNA position 899, C replaced by T.
Protein change: p.Thr300Met; replaces threonine 300 with methionine.
Molecular consequence: missense variant.
Genome position (GRCh38, 1-based): chr11:68,793,383, G>A on the plus strand (C>T on the coding strand, the complement: CPT1A is on the minus strand). VCF-style: chr11-68793383-G-A. GRCh37 (hg19) VCF-style: chr11-68560851-G-A.
Other names: c.899C>T, p.Thr300Met (NM_001031847.3); short protein forms T300M.
Identifiers: ClinVar variation 2040969 (VCV002040969.2), dbSNP rs751848750, ClinGen allele CA6152485.

ClinVar aggregate classification (germline): Uncertain significance (1 of 4 stars; one submission).

Conditions:
Carnitine palmitoyl transferase 1A deficiency. Also called: CPT I DEFICIENCY; CPT DEFICIENCY, HEPATIC, TYPE I; Carnitine palmitoyltransferase type I deficiency; CPT deficiency, hepatic, type IA; Carnitine palmitoyltransferase 1A deficiency. Identifiers: Orphanet 156, MedGen C1829703, MONDO:0009705, OMIM 255120.

Allele frequency attached by ClinVar (database versions not stated): ExAC 0.00001; gnomAD 0.00001; TOPMed 0.00002; gnomAD exomes 0.00003.
gnomAD v4.1: 41 of 1,610,982 alleles (0.0025%); highest among the groups gnomAD compares: Non-Finnish European, 0.0033%; no homozygotes.

Submission:

Labcorp Genetics (formerly Invitae), Labcorp
Classification: Uncertain significance for Carnitine palmitoyl transferase 1A deficiency. Last evaluated: 2025-12-15. Review status: criteria provided, single submitter. Criteria: Invitae Variant Classification Sherloc (09022015). Collection method: clinical testing. Allele origin: germline.
Comment: This sequence change replaces threonine, which is neutral and polar, with methionine, which is neutral and non-polar, at codon 300 of the CPT1A protein (p.Thr300Met). The frequency data for this variant in the population databases is considered unreliable, as metrics indicate poor data quality at this position in the gnomAD database. This variant has not been reported in the literature in individuals affected with CPT1A-related conditions. ClinVar contains an entry for this variant (Variation ID: 2040969). Invitae Evidence Modeling of protein sequence and biophysical properties (such as structural, functional, and spatial information, amino acid conservation, physicochemical variation, residue mobility, and thermodynamic stability) indicates that this missense variant is not expected to disrupt CPT1A protein function with a negative predictive value of 95%. In summary, the available evidence is currently insufficient to determine the role of this variant in disease. Therefore, it has been classified as a Variant of Uncertain Significance.